The following is an entry in ClinVar:

ClinVar aggregate classification (germline): Uncertain significance (1 of 4 stars; one submission).

Allele frequency attached by ClinVar (database versions not stated): ExAC 0.00005; gnomAD exomes 0.00007.
gnomAD v4.1: 262 of 1,551,536 alleles (0.017%); highest among the groups gnomAD compares: Non-Finnish European, 0.021%; no homozygotes.

Submission:

Labcorp Genetics (formerly Invitae), Labcorp
Classification: Uncertain significance. Last evaluated: 2025-10-23. Review status: criteria provided, single submitter. Criteria: Invitae Variant Classification Sherloc (09022015). Collection method: clinical testing. Allele origin: germline.
Comment: This sequence change replaces serine, which is neutral and polar, with arginine, which is basic and polar, at codon 391 of the FOXI3 protein (p.Ser391Arg). This variant is present in population databases (rs774808218, gnomAD 0.02%). This variant has not been reported in the literature in individuals affected with FOXI3-related conditions. ClinVar contains an entry for this variant (Variation ID: 1436303). Experimental studies and prediction algorithms are not available or were not evaluated, and the functional significance of this variant is currently unknown. In summary, the available evidence is currently insufficient to determine the role of this variant in disease. Therefore, it has been classified as a Variant of Uncertain Significance.

NM_001135649.3(FOXI3):c.1173C>G (p.Ser391Arg)

Gene: FOXI3 (forkhead box I3; minus strand). Cytogenetic location: 2p11.2.
Variant type: single nucleotide variant.
Coding change: c.1173C>G on transcript NM_001135649.3 (MANE Select); coding-DNA position 1173, C replaced by G.
Protein change: p.Ser391Arg; replaces serine 391 with arginine.
Molecular consequence: missense variant.
Genome position (GRCh38, 1-based): chr2:88,448,297, G>C on the plus strand (C>G on the coding strand, the complement: FOXI3 is on the minus strand). VCF-style: chr2-88448297-G-C. GRCh37 (hg19) VCF-style: chr2-88747816-G-C.
Other names: short protein forms S391R.
Identifiers: ClinVar variation 1436303 (VCV001436303.6), dbSNP rs774808218, ClinGen allele CA1753959.
Genomic context (GRCh38, chr2:88,448,297, plus strand): 5'-GAGGCTGTTCACCATGCTAAAGTTGTGGAAAGGGCTGCTGAAGGGGCTGCTTTGCCCCCC[G>C]CTGGTGCTGGCAGGGAAAGGGCTGTAATAGGAAGATCTCTGGCCGGTGCTATTGCTGGTG-3'
Protein context (NP_001129121.1, residues 381-401): SYYSPFPAST[Ser391Arg]GGQSSPFSSP